The following is an entry in ClinVar:

ClinVar aggregate classification (germline): Pathogenic. Review status: criteria provided, single submitter (1 of 4 stars). 2 submissions from 2 submitters: Pathogenic (1). 1 of the submissions does not count toward it. Last evaluated 2021-02-19.

Conditions:
Multiple gastrointestinal atresias. Also called: Multiple intestinal atresia; FAMILIAL INTESTINAL POLYATRESIA SYNDROME. Identifiers: Orphanet 2300, MedGen C0220744, MONDO:0009465.
Gastrointestinal defects and immunodeficiency syndrome 1 (GIDID1). Also called: Combined immunodeficiency-enteropathy spectrum. Identifiers: Orphanet 436252, MedGen C5968858, MONDO:0800030, OMIM 243150.

Allele frequency attached by ClinVar (database versions not stated): gnomAD exomes below 0.00001; gnomAD 0.00003.
gnomAD v4.1: 3 of 1,613,840 alleles (0.00019%); highest among the groups gnomAD compares: Non-Finnish European, 0.00025%; no homozygotes.

Submissions (2):

Labcorp Genetics (formerly Invitae), Labcorp
Classification: Pathogenic for Multiple gastrointestinal atresias. Last evaluated: 2021-02-19. Review status: criteria provided, single submitter. Criteria: Invitae Variant Classification Sherloc (09022015). Collection method: clinical testing. Allele origin: germline.
Comment: This sequence change affects an acceptor splice site in intron 9 of the TTC7A gene. It is expected to disrupt RNA splicing. Variants that disrupt the donor or acceptor splice site typically lead to a loss of protein function (PMID: 16199547), and loss-of-function variants in TTC7A are known to be pathogenic (PMID: 23830146, 24292712). This variant is not present in population databases (ExAC no frequency). This variant has been observed in individual(s) with gastrointestinal defects and immunodeficiency syndrome (PMID: 24417819). It has also been observed to segregate with disease in related individuals. ClinVar contains an entry for this variant (Variation ID: 190392). Algorithms developed to predict the effect of sequence changes on RNA splicing suggest that this variant may disrupt the consensus splice site, but this prediction has not been confirmed by published transcriptional studies. For these reasons, this variant has been classified as Pathogenic.

OMIM
Classification: Pathogenic for GASTROINTESTINAL DEFECTS AND IMMUNODEFICIENCY SYNDROME 1. Last evaluated: 2014-04-01. Review status: no assertion criteria provided. Collection method: literature only. Allele origin: germline. Not counted in ClinVar's aggregate classification.

Literature cited by the submitters: PubMed 16199547 (cited by Labcorp Genetics (formerly Invitae), Labcorp); PubMed 23830146 (cited by Labcorp Genetics (formerly Invitae), Labcorp); PubMed 24292712 (cited by Labcorp Genetics (formerly Invitae), Labcorp); PubMed 24417819 (cited by Labcorp Genetics (formerly Invitae), Labcorp and OMIM).

NM_020458.4(TTC7A):c.1204-2A>G

Gene: TTC7A (tetratricopeptide repeat domain 7A; plus strand). Cytogenetic location: 2p21.
Variant type: single nucleotide variant.
Coding change: c.1204-2A>G on transcript NM_020458.4 (MANE Select); the canonical splice acceptor site of the intron before coding-DNA position 1204, A replaced by G.
Molecular consequence: splice acceptor variant.
Genome position (GRCh38, 1-based): chr2:47,006,639, A>G. VCF-style: chr2-47006639-A-G. GRCh37 (hg19) VCF-style: chr2-47233778-A-G.
Other names: IVS9AS, A-G, -2; c.1102-2A>G (NM_001288953.2); c.1204-2A>G (NM_001288951.2); c.142-2A>G (NM_001288955.2).
Identifiers: ClinVar variation 190392 (VCV000190392.10), dbSNP rs876657392, ClinGen allele CA10575706.
Genomic context (GRCh38, chr2:47,006,639, plus strand): 5'-GTGCGGATGGCTGGGGTGGGAGGACCCCTGGTGGGTAAATGCTGACTATCTCCCCTCCCC[A>G]GTGCCTGGAGCGAGCCATGAAGTTTGCGTTTGGAGAATTTCACCTTTGGTACCAGGTGGC-3'